The following is an entry in ClinVar:

ClinVar aggregate classification (germline): Uncertain significance (1 of 4 stars; one submission).

Conditions:
Fabry disease. Also called: Fabry's disease; ALPHA-GALACTOSIDASE A DEFICIENCY; ANDERSON-FABRY DISEASE; CERAMIDE TRIHEXOSIDASE DEFICIENCY; GLA DEFICIENCY; HEREDITARY DYSTOPIC LIPIDOSIS. Identifiers: Orphanet 324, MedGen C0002986, MONDO:0010526, OMIM 301500, HP:0001071. Disease mechanism: Fabry disease is due to inactivating mutations in the X-linked GLA gene resulting in deficiency of the enzyme Alpha Galactosidase-A., loss of function.

Submissions (2):

Genomenon, Inc
Classification: Uncertain significance for Fabry disease. Last evaluated: 2026-09-08. Review status: criteria provided, single submitter. Criteria: Genomenon Sequence Variant Interpretation Standards - Updated. Collection method: curation. Allele origin: germline. Affected: no.
Comment: GLA p.Cys174Phe (c.521G>T) is a missense variant that changes the amino acid at codon 174 from Cysteine to Phenylalanine. This variant has been reported in the published literature (PMID:26044846). The presence of pathogenic/likely pathogenic missense variant(s) at the same amino acid position indicates that this residue is likely important for protein function. It is absent or not present at a significant frequency in gnomAD. In conclusion, we classify GLA p.Cys174Phe (c.521G>T) as a variant of uncertain significance.

Dr. Peter K. Rogan Lab, Western University
No classification provided (evidence only). Condition: Thyroid cancer, nonmedullary, 1. Review status: no classification provided. Collection method: in vitro. Allele origin: not applicable. Functional consequence: retained intron. Not counted in ClinVar's aggregate classification.

Literature cited by the submitters: PubMed 26044846 (cited by Genomenon, Inc).

NM_000169.3(GLA):c.521G>T (p.Cys174Phe)

Genes: GLA (galactosidase alpha; minus strand), RPL36A-HNRNPH2 (RPL36A-HNRNPH2 readthrough; plus strand). Cytogenetic location: Xq22.1.
Variant type: single nucleotide variant.
Coding change: c.521G>T on transcript NM_000169.3 (MANE Select); coding-DNA position 521, G replaced by T.
Protein change: p.Cys174Phe; replaces cysteine 174 with phenylalanine.
Molecular consequence: missense variant. On other transcripts: non-coding transcript variant (3), intron variant (2).
Genome position (GRCh38, 1-based): chrX:101,401,658, C>A on the plus strand (G>T on the coding strand, the complement: GLA is on the minus strand). VCF-style: chrX-101401658-C-A. GRCh37 (hg19) VCF-style: chrX-100656646-C-A.
Other names: NC_000023.10:g.100656646C>A; c.644G>T, p.Cys215Phe (NM_001406747.1, NM_001406749.1); c.521G>T, p.Cys174Phe (NM_001406748.1); c.300+6201C>A (NM_001199973.2); c.177+9836C>A (NM_001199974.2); short protein forms C174F, C215F.
Identifiers: ClinVar variation 4461174 (VCV004461174.2).
Genomic context (GRCh38, chrX:101,401,658, plus strand): 5'-CCTTTGTGGCTAAATCTCTGGAATGAAACATTACCATCTGCCAAATTTTCCAAACTGTCA[C>A]AGTAACAACCATCAAATTTTAGCAGATCTACTCCCCAGTCAGCAAAGGTCTGGGCATCAA-3'
Protein context (NP_000160.1, residues 164-184): VDLLKFDGCY[Cys174Phe]DSLENLADGY